The following is an entry in ClinVar:

ClinVar aggregate classification (germline): Conflicting classifications of pathogenicity. Review status: criteria provided, conflicting classifications (1 of 4 stars). 3 submissions from 3 submitters: Uncertain significance (1); Likely benign (2). Last evaluated 2026-04-22.

Conditions:
Hereditary breast ovarian cancer syndrome. Also called: Hereditary breast and ovarian cancer syndrome; Hereditary breast and/or ovarian cancer syndrome; Hereditary breast and ovarian cancer; Hereditary breast and ovarian cancer syndrome (HBOC); BRCA1- and BRCA2-Associated Hereditary Breast and Ovarian Cancer; Breast and ovarian cancer. Identifiers: Orphanet 145, MedGen C0677776, MeSH D061325, MONDO:0003582. Disease mechanism: loss of function.
Hereditary cancer-predisposing syndrome. Also called: Hereditary neoplastic syndrome; Neoplastic Syndromes, Hereditary; Tumor predisposition; Hereditary Cancer Syndrome. Identifiers: Orphanet 140162, MedGen C0027672, MeSH D009386, MONDO:0015356.

Submissions (3):

Ambry Genetics
Classification: Likely benign for Hereditary cancer-predisposing syndrome. Last evaluated: 2026-04-22. Review status: criteria provided, single submitter. Criteria: Ambry Variant Classification Scheme 2023. Collection method: clinical testing. Allele origin: germline.

Labcorp Genetics (formerly Invitae), Labcorp
Classification: Uncertain significance for Hereditary breast ovarian cancer syndrome. Last evaluated: 2024-03-09. Review status: criteria provided, single submitter. Criteria: Invitae Variant Classification Sherloc (09022015). Collection method: clinical testing. Allele origin: germline.
Comment: This sequence change replaces valine, which is neutral and non-polar, with leucine, which is neutral and non-polar, at codon 1610 of the BRCA2 protein (p.Val1610Leu). This variant is not present in population databases (gnomAD no frequency). This variant has not been reported in the literature in individuals affected with BRCA2-related conditions. ClinVar contains an entry for this variant (Variation ID: 1038975). Advanced modeling of protein sequence and biophysical properties (such as structural, functional, and spatial information, amino acid conservation, physicochemical variation, residue mobility, and thermodynamic stability) performed at Invitae indicates that this missense variant is not expected to disrupt BRCA2 protein function with a negative predictive value of 95%. In summary, the available evidence is currently insufficient to determine the role of this variant in disease. Therefore, it has been classified as a Variant of Uncertain Significance.

University of Washington Department of Laboratory Medicine, University of Washington
Classification: Likely benign for Hereditary cancer-predisposing syndrome. Last evaluated: 2023-03-23. Review status: criteria provided, single submitter. Criteria: Dines et al. (Genet Med. 2020). Collection method: curation. Allele origin: germline.
Comment: Missense variant in a coldspot region where missense variants are very unlikely to be pathogenic (PMID:31911673).

BRCA2 exon 11 coldspot. Reclassification based on statistical prior probability.

NM_000059.4(BRCA2):c.4828G>C (p.Val1610Leu)

Gene: BRCA2 (BRCA2 DNA repair associated; plus strand). Cytogenetic location: 13q13.1.
Variant type: single nucleotide variant.
Coding change: c.4828G>C on transcript NM_000059.4 (MANE Select); coding-DNA position 4828, G replaced by C.
Protein change: p.Val1610Leu; replaces valine 1610 with leucine.
Molecular consequence: missense variant.
Genome position (GRCh38, 1-based): chr13:32,339,183, G>C. VCF-style: chr13-32339183-G-C. GRCh37 (hg19) VCF-style: chr13-32913320-G-C.
Other names: c.4828G>C (NM_000059.3); short protein forms V1610L.
Identifiers: ClinVar variation 1038975 (VCV001038975.9), dbSNP rs80358705, ClinGen allele CA387783312.